The following is an entry in ClinVar:

NM_000540.3(RYR1):c.556G>A (p.Gly186Arg)

Gene: RYR1 (ryanodine receptor 1; plus strand). Cytogenetic location: 19q13.2.
Variant type: single nucleotide variant.
Coding change: c.556G>A on transcript NM_000540.3 (MANE Select); coding-DNA position 556, G replaced by A.
Protein change: p.Gly186Arg; replaces glycine 186 with arginine.
Molecular consequence: missense variant.
Genome position (GRCh38, 1-based): chr19:38,444,602, G>A. VCF-style: chr19-38444602-G-A. GRCh37 (hg19) VCF-style: chr19-38935242-G-A.
Other names: c.556G>A, p.Gly186Arg (NM_001042723.2); short protein forms G186R.
Identifiers: ClinVar variation 3069802 (VCV003069802.3), dbSNP rs759256183, ClinGen allele CA067281.

ClinVar aggregate classification (germline): Uncertain significance. Review status: criteria provided, multiple submitters, no conflicts (2 of 4 stars). 2 submissions from 2 submitters: Uncertain significance (2). Last evaluated 2024-07-20.

Conditions:
Malignant hyperthermia, susceptibility to, 1 (MHS1). Also called: RYR1-Related Malignant Hyperthermia Susceptibility; Anesthesia related hyperthermia; Malignant hyperpyrexia; Fulminating hyperpyrexia; Pharmacogenic myopathy; Malignant hyperthermia suceptibility 1. Identifiers: Orphanet 423, MedGen C2930980, MONDO:0007783, OMIM 145600.

Allele frequency attached by ClinVar (database versions not stated): gnomAD exomes below 0.00001; TOPMed below 0.00001; ExAC 0.00001; gnomAD 0.00001.
gnomAD v4.1: 2 of 1,613,746 alleles (0.00012%); highest among the groups gnomAD compares: Non-Finnish European, 0.00017%; no homozygotes.

Submissions (2):

All of Us Research Program, National Institutes of Health
Classification: Uncertain significance for Malignant hyperthermia, susceptibility to, 1. Last evaluated: 2024-07-20. Review status: criteria provided, single submitter. Criteria: ACMG Guidelines, 2015. Collection method: clinical testing. Allele origin: germline. Inheritance: Autosomal dominant inheritance. Observed: 7 variant alleles, 7 heterozygotes.
Comment: This missense variant replaces glycine with arginine at codon 186 of the RYR1 protein. Computational prediction suggests that this variant may have deleterious impact on protein structure and function (internally defined REVEL score threshold >= 0.7, PMID: 27666373). To our knowledge, functional studies have not been reported for this variant. This variant has not been reported in individuals affected with RYR1-related disorders in the literature. This variant has been identified in 1/250608 chromosomes in the general population by the Genome Aggregation Database (gnomAD). The available evidence is insufficient to determine the role of this variant in disease conclusively. Therefore, this variant is classified as a Variant of Uncertain Significance.

This study involves interpretation of variants in research participants for the purpose of population health screening. Participant phenotype was not available at the time of variant classification. Additional details can be found in publication PMID: 35346344, PMCID: PMC8962531

Color Diagnostics, LLC DBA Color Health
Classification: Uncertain significance for Malignant hyperthermia, susceptibility to, 1. Last evaluated: 2024-03-07. Review status: criteria provided, single submitter. Criteria: ACMG Guidelines, 2015. Collection method: clinical testing. Allele origin: germline.
Comment: This missense variant replaces glycine with arginine at codon 186 of the RYR1 protein. Computational prediction suggests that this variant may have deleterious impact on protein structure and function. To our knowledge, functional studies have not been reported for this variant. This variant has not been reported in individuals affected with RYR1-related disorders in the literature. This variant has been identified in 1/250608 chromosomes in the general population by the Genome Aggregation Database (gnomAD). The available evidence is insufficient to determine the role of this variant in disease conclusively. Therefore, this variant is classified as a Variant of Uncertain Significance.